The following is an entry in ClinVar:

NM_016247.4(IMPG2):c.3093_3097dup (p.Glu1033fs)

Gene: IMPG2 (interphotoreceptor matrix proteoglycan 2; minus strand). Cytogenetic location: 3q12.3.
Variant type: Microsatellite.
Coding change: c.3093_3097dup on transcript NM_016247.4 (MANE Select); coding-DNA positions 3093 to 3097, 5 bases duplicated (TGGAG; older notation c.3093_3097dupTGGAG).
Protein change: p.Glu1033fs; shifts the reading frame from glutamic acid 1033.
Molecular consequence: frameshift variant.
Genome position (GRCh38, 1-based): chr3:101,232,917-101,232,921, CTCCA duplicated on the plus strand (TGGAG on the coding strand, the reverse complement: IMPG2 is on the minus strand); duplicating any 5 consecutive bases within chr3:101,232,917-101,232,926 gives the same sequence; the c. name uses the placement nearest the transcript's 3' end. VCF-style (leftmost placement, unchanged base first): chr3-101232916-T-TCTCCA. GRCh37 (hg19) VCF-style: chr3-100951760-T-TCTCCA.
Other names: short protein forms E1033fs.
Identifiers: ClinVar variation 1371852 (VCV001371852.6), dbSNP rs2107208049, ClinGen allele CA2580616508.

ClinVar aggregate classification (germline): Pathogenic (1 of 4 stars; one submission).

Submission:

Labcorp Genetics (formerly Invitae), Labcorp
Classification: Pathogenic. Last evaluated: 2022-11-22. Review status: criteria provided, single submitter. Criteria: Invitae Variant Classification Sherloc (09022015). Collection method: clinical testing. Allele origin: germline.
Comment: This sequence change creates a premature translational stop signal (p.Glu1033Valfs*13) in the IMPG2 gene. It is expected to result in an absent or disrupted protein product. Loss-of-function variants in IMPG2 are known to be pathogenic (PMID: 20673862). This variant is not present in population databases (gnomAD no frequency). This premature translational stop signal has been observed in individual(s) with retinitis pigmentosa (PMID: 31736247). For these reasons, this variant has been classified as Pathogenic.

Literature cited by the submitters: PubMed 20673862; PubMed 31736247.